The following is an entry in ClinVar:

ClinVar aggregate classification (germline): Conflicting classifications of pathogenicity. Review status: criteria provided, conflicting classifications (1 of 4 stars). 4 submissions from 4 submitters: Uncertain significance (2); Likely benign (2). Last evaluated 2024-09-24.

Conditions:
Hereditary diffuse gastric adenocarcinoma (HDGC). Also called: DIFFUSE GASTRIC AND LOBULAR BREAST CANCER SYNDROME. Identifiers: Orphanet 26106, MedGen C1708349, MONDO:0007648, OMIM 137215.
Hereditary cancer-predisposing syndrome. Also called: Tumor predisposition; Neoplastic Syndromes, Hereditary; Hereditary Cancer Syndrome; Hereditary neoplastic syndrome. Identifiers: Orphanet 140162, MedGen C0027672, MeSH D009386, MONDO:0015356.

Allele frequency attached by ClinVar (database versions not stated): gnomAD exomes below 0.00001; gnomAD 0.00001.
gnomAD v4.1: 3 of 1,613,742 alleles (0.00019%); no homozygotes.

Submissions (4):

Myriad Genetics, Inc.
Classification: Likely benign for Hereditary diffuse gastric adenocarcinoma. Last evaluated: 2024-09-24. Review status: criteria provided, single submitter. Criteria: Myriad Autosomal Dominant, Autosomal Recessive and X-Linked Classification Criteria (2023). Collection method: clinical testing. Allele origin: unknown.
Comment: This variant is considered likely benign. This variant is intronic and is not expected to impact mRNA splicing.

Labcorp Genetics (formerly Invitae), Labcorp
Classification: Uncertain significance for Hereditary diffuse gastric adenocarcinoma. Last evaluated: 2023-09-01. Review status: criteria provided, single submitter. Criteria: Invitae Variant Classification Sherloc (09022015). Collection method: clinical testing. Allele origin: germline.
Comment: In summary, the available evidence is currently insufficient to determine the role of this variant in disease. Therefore, it has been classified as a Variant of Uncertain Significance. Variants that disrupt the consensus splice site are a relatively common cause of aberrant splicing (PMID: 17576681, 9536098). Algorithms developed to predict the effect of sequence changes on RNA splicing suggest that this variant is not likely to affect RNA splicing. This variant has not been reported in the literature in individuals affected with CDH1-related conditions. This variant is present in population databases (no rsID available, gnomAD 0.008%). This sequence change falls in intron 15 of the CDH1 gene. It does not directly change the encoded amino acid sequence of the CDH1 protein. It affects a nucleotide within the consensus splice site.

Ambry Genetics
Classification: Uncertain significance for Hereditary cancer-predisposing syndrome. Last evaluated: 2023-06-26. Review status: criteria provided, single submitter. Criteria: Ambry Variant Classification Scheme 2023. Collection method: clinical testing. Allele origin: germline.
Comment: The c.2440-3T>C intronic variant results from a T to C substitution 3 nucleotides upstream from coding exon 16 in the CDH1 gene. This nucleotide position is not well conserved in available vertebrate species. In silico splice site analysis predicts that this alteration will not have any significant effect on splicing. Since supporting evidence is limited at this time, the clinical significance of this alteration remains unclear.

Blueprint Genetics
Classification: Likely benign. Last evaluated: 2022-10-12. Review status: criteria provided, single submitter. Criteria: ACMG Guidelines, 2015. Collection method: clinical testing. Allele origin: germline.

Literature cited by the submitters: PubMed 17576681 (cited by Labcorp Genetics (formerly Invitae), Labcorp); PubMed 9536098 (cited by Labcorp Genetics (formerly Invitae), Labcorp).

NM_004360.5(CDH1):c.2440-3T>C

Gene: CDH1 (cadherin 1; plus strand). Cytogenetic location: 16q22.1.
Variant type: single nucleotide variant.
Coding change: c.2440-3T>C on transcript NM_004360.5 (MANE Select); 3 bases into the intron before coding-DNA position 2440, T replaced by C.
Molecular consequence: intron variant.
Genome position (GRCh38, 1-based): chr16:68,833,287, T>C. VCF-style: chr16-68833287-T-C. GRCh37 (hg19) VCF-style: chr16-68867190-T-C.
Other names: c.892-3T>C (NM_001317185.2); c.475-3T>C (NM_001317186.2); c.2257-3T>C (NM_001317184.2).
Identifiers: ClinVar variation 2587423 (VCV002587423.7), dbSNP rs1360371971, ClinGen allele CA623574773.